The following is an entry in ClinVar:

NM_006947.4(SRP72):c.710A>G (p.Gln237Arg)

Gene: SRP72 (signal recognition particle 72; plus strand). Cytogenetic location: 4q12.
Variant type: single nucleotide variant.
Coding change: c.710A>G on transcript NM_006947.4 (MANE Select); coding-DNA position 710, A replaced by G.
Protein change: p.Gln237Arg; replaces glutamine 237 with arginine.
Molecular consequence: missense variant. On other transcripts: non-coding transcript variant (1), intron variant (1).
Genome position (GRCh38, 1-based): chr4:56,478,446, A>G. VCF-style: chr4-56478446-A-G. GRCh37 (hg19) VCF-style: chr4-57344612-A-G.
Other names: c.642+1744A>G (NM_001267722.2); short protein forms Q237R.
Identifiers: ClinVar variation 3801407 (VCV003801407.1).

ClinVar aggregate classification (germline): Uncertain significance (1 of 4 stars; one submission).

gnomAD v4.1: 1 of 1,613,854 alleles (0.000062%); highest among the groups gnomAD compares: African/African-American, 0.0013%; no homozygotes.

Submission:

Ambry Genetics
Classification: Uncertain significance. Last evaluated: 2024-12-16. Review status: criteria provided, single submitter. Criteria: Ambry Variant Classification Scheme 2023. Collection method: clinical testing. Allele origin: germline.
Comment: The p.Q237R variant (also known as c.710A>G), located in coding exon 7 of the SRP72 gene, results from an A to G substitution at nucleotide position 710. The glutamine at codon 237 is replaced by arginine, an amino acid with highly similar properties. This amino acid position is conserved. In addition, the in silico prediction for this alteration is inconclusive. Based on the available evidence, the clinical significance of this variant remains unclear.